The following is an entry in ClinVar:

NM_001080512.3(BICC1):c.1270A>G (p.Ile424Val)

Gene: BICC1 (BicC family RNA binding protein 1; plus strand). Cytogenetic location: 10q21.1.
Variant type: single nucleotide variant.
Coding change: c.1270A>G on transcript NM_001080512.3 (MANE Select); coding-DNA position 1270, A replaced by G.
Protein change: p.Ile424Val; replaces isoleucine 424 with valine.
Molecular consequence: missense variant.
Genome position (GRCh38, 1-based): chr10:58,796,430, A>G. VCF-style: chr10-58796430-A-G. GRCh37 (hg19) VCF-style: chr10-60556190-A-G.
Other names: short protein forms I424V.
Identifiers: ClinVar variation 1992096 (VCV001992096.4), dbSNP rs151162870, ClinGen allele CA5508453.

ClinVar aggregate classification (germline): Uncertain significance (1 of 4 stars; one submission).

Allele frequency attached by ClinVar (database versions not stated): gnomAD exomes 0.00001; ExAC 0.00002; gnomAD 0.00007; TOPMed 0.00007; ESP Exome Variant Server 0.00015.
gnomAD v4.1: 22 of 1,613,992 alleles (0.0014%); highest among the groups gnomAD compares: African/African-American, 0.017%; 1 homozygote.

Submission:

Labcorp Genetics (formerly Invitae), Labcorp
Classification: Uncertain significance. Last evaluated: 2025-06-12. Review status: criteria provided, single submitter. Criteria: Invitae Variant Classification Sherloc (09022015). Collection method: clinical testing. Allele origin: germline.
Comment: This sequence change replaces isoleucine, which is neutral and non-polar, with valine, which is neutral and non-polar, at codon 424 of the BICC1 protein (p.Ile424Val). This variant is present in population databases (rs151162870, gnomAD 0.02%). This variant has not been reported in the literature in individuals affected with BICC1-related conditions. ClinVar contains an entry for this variant (Variation ID: 1992096). An algorithm developed to predict the effect of missense changes on protein structure and function (PolyPhen-2) suggests that this variant is likely to be tolerated. In summary, the available evidence is currently insufficient to determine the role of this variant in disease. Therefore, it has been classified as a Variant of Uncertain Significance.